The following is an entry in ClinVar:

ClinVar aggregate classification (germline): Uncertain significance. Review status: criteria provided, multiple submitters, no conflicts (2 of 4 stars). 2 submissions from 2 submitters: Uncertain significance (2). Last evaluated 2023-09-05.

Conditions:
Cardiovascular phenotype. Identifiers: MedGen CN230736.
Long QT syndrome (LQTS). Identifiers: MedGen C0023976, MeSH D008133, MONDO:0002442. Disease mechanism: loss of function. Inheritance: Various modes of inheritance.

Allele frequency attached by ClinVar (database versions not stated): gnomAD exomes below 0.00001.
gnomAD v4.1: 5 of 1,609,196 alleles (0.00031%); highest among the groups gnomAD compares: Non-Finnish European, 0.00042%; no homozygotes.

Submissions (2):

Labcorp Genetics (formerly Invitae), Labcorp
Classification: Uncertain significance for Long QT syndrome. Last evaluated: 2023-09-05. Review status: criteria provided, single submitter. Criteria: Invitae Variant Classification Sherloc (09022015). Collection method: clinical testing. Allele origin: germline.
Comment: In summary, the available evidence is currently insufficient to determine the role of this variant in disease. Therefore, it has been classified as a Variant of Uncertain Significance. Advanced modeling of protein sequence and biophysical properties (such as structural, functional, and spatial information, amino acid conservation, physicochemical variation, residue mobility, and thermodynamic stability) performed at Invitae indicates that this missense variant is not expected to disrupt CACNA1C protein function. ClinVar contains an entry for this variant (Variation ID: 1728551). This variant has not been reported in the literature in individuals affected with CACNA1C-related conditions. This variant is not present in population databases (gnomAD no frequency). This sequence change replaces serine, which is neutral and polar, with glycine, which is neutral and non-polar, at codon 1061 of the CACNA1C protein (p.Ser1061Gly).

Ambry Genetics
Classification: Uncertain significance for Cardiovascular phenotype. Last evaluated: 2019-07-05. Review status: criteria provided, single submitter. Criteria: Ambry Variant Classification Scheme 2023. Collection method: clinical testing. Allele origin: germline.
Comment: The p.S1061G variant (also known as c.3181A>G), located in coding exon 25 of the CACNA1C gene, results from an A to G substitution at nucleotide position 3181. The serine at codon 1061 is replaced by glycine, an amino acid with similar properties. This amino acid position is well conserved in available vertebrate species. In addition, the in silico prediction for this alteration is inconclusive. Since supporting evidence is limited at this time, the clinical significance of this alteration remains unclear.

NM_000719.7(CACNA1C):c.3181A>G (p.Ser1061Gly)

Gene: CACNA1C (calcium voltage-gated channel subunit alpha1 C; plus strand). Cytogenetic location: 12p13.33.
Variant type: single nucleotide variant.
Coding change: c.3181A>G on transcript NM_000719.7 (MANE Select); coding-DNA position 3181, A replaced by G.
Protein change: p.Ser1061Gly; replaces serine 1061 with glycine.
Molecular consequence: missense variant.
Genome position (GRCh38, 1-based): chr12:2,606,635, A>G. VCF-style: chr12-2606635-A-G. GRCh37 (hg19) VCF-style: chr12-2715801-A-G.
Other names: c.3241A>G, p.Ser1081Gly (NM_001129827.2, NM_001129832.2, NM_199460.4); c.3181A>G, p.Ser1061Gly (NM_001129829.2, NM_001129830.3, NM_001129831.2 and 15 more transcripts); c.3172A>G, p.Ser1058Gly (NM_001129844.2); short protein forms S1061G, S1058G, S1081G.
Identifiers: ClinVar variation 1728551 (VCV001728551.6), dbSNP rs1325849140, ClinGen allele CA383374447.